The following is an entry in ClinVar:

NM_001374736.1(DST):c.17340G>A (p.Lys5780=)

Gene: DST (dystonin; minus strand). Cytogenetic location: 6p12.1.
Variant type: single nucleotide variant.
Coding change: c.17340G>A on transcript NM_001374736.1 (MANE Select); coding-DNA position 17340, G replaced by A.
Protein change: p.Lys5780=; no amino-acid change (lysine 5780 retained).
Molecular consequence: synonymous variant. On other transcripts: intron variant (2).
Genome position (GRCh38, 1-based): chr6:56,529,703, C>T on the plus strand (G>A on the coding strand, the complement: DST is on the minus strand). VCF-style: chr6-56529703-C-T. GRCh37 (hg19) VCF-style: chr6-56394501-C-T.
Other names: c.10983G>A, p.Lys3661= (NM_001144769.5); c.10569G>A, p.Lys3523= (NM_001144770.2); c.17340G>A, p.Lys5780= (NM_001374722.1); c.17367G>A, p.Lys5789= (NM_001374734.1); c.10449G>A, p.Lys3483= (NM_001386100.1, NM_183380.4); c.9471G>A, p.Lys3157= (NM_015548.5); c.10377+271G>A (NM_001374730.1); c.16635+271G>A (NM_001374729.1); and 1 more.
Identifiers: ClinVar variation 1096023 (VCV001096023.39), dbSNP rs200304225, ClinGen allele CA3867453.

ClinVar aggregate classification (germline): Likely benign. Review status: criteria provided, multiple submitters, no conflicts (2 of 4 stars). 3 submissions from 3 submitters: Likely benign (3). Last evaluated 2026-09-08.

Conditions:
Hereditary sensory and autonomic neuropathy type 6. Also called: Neuropathy, hereditary sensory and autonomic, type VI; HSAN VI. Identifiers: Orphanet 314381, MedGen C3539003, MONDO:0013839, OMIM 614653.
Epidermolysis bullosa simplex 3, localized or generalized intermediate, with BP230 deficiency (EBS3). Also called: Epidermolysis bullosa simplex due to BP230 deficiency; Epidermolysis bullosa simplex, autosomal recessive 2. Identifiers: Orphanet 412181, MedGen C3809470, MONDO:0014180, OMIM 615425.
DST-related disorder. Also called: DST-related condition; DST-related disorders.

Allele frequency attached by ClinVar (database versions not stated): gnomAD 0.00006; ESP Exome Variant Server 0.00017.
gnomAD v4.1: 70 of 1,613,130 alleles (0.0043%); highest among the groups gnomAD compares: Non-Finnish European, 0.0057%; no homozygotes.

Submissions (3):

PreventionGenetics, part of Exact Sciences
Classification: Likely benign for DST-related condition. Last evaluated: 2026-09-08. Review status: criteria provided, single submitter. Criteria: ACMG Guidelines, 2015. Collection method: clinical testing. Allele origin: germline.
Comment: This variant is classified as likely benign based on ACMG/AMP sequence variant interpretation guidelines (Richards et al. 2015 PMID: 25741868, with internal and published modifications).

Labcorp Genetics (formerly Invitae), Labcorp
Classification: Likely benign for Epidermolysis bullosa simplex 3, localized or generalized intermediate, with BP230 deficiency; Hereditary sensory and autonomic neuropathy type 6. Last evaluated: 2026-01-10. Review status: criteria provided, single submitter. Criteria: Invitae Variant Classification Sherloc (09022015). Collection method: clinical testing. Allele origin: germline.

CeGaT Center for Human Genetics Tuebingen
Classification: Likely benign. Last evaluated: 2022-09-01. Review status: criteria provided, single submitter. Criteria: CeGaT Center For Human Genetics Tuebingen Variant Classification Criteria Version 2. Collection method: clinical testing. Allele origin: germline. Affected: yes. Observed: 1 variant allele.
Comment: DST: BP4, BP7